The following is an entry in ClinVar:

ClinVar aggregate classification (germline): Benign (1 of 4 stars; one submission).

Conditions:
Familial cancer of breast. Also called: hereditary breast carcinoma; BREAST CANCER, FAMILIAL; Hereditary breast cancer. Identifiers: Orphanet 227535, MedGen C0346153, MONDO:0016419, OMIM 114480. Disease mechanism: loss of function.

Submission:

Myriad Genetics, Inc.
Classification: Benign for Familial cancer of breast. Last evaluated: 2024-06-24. Review status: criteria provided, single submitter. Criteria: Myriad Autosomal Dominant, Autosomal Recessive and X-Linked Classification Criteria (2023). Collection method: clinical testing. Allele origin: unknown.
Comment: This variant is considered benign. This variant is a silent/synonymous amino acid change and it is not expected to impact splicing.

NM_000051.4(ATM):c.9069C>G (p.Gly3023=)

Genes: ATM (ATM serine/threonine kinase; plus strand), C11orf65 (chromosome 11 open reading frame 65; minus strand). Cytogenetic location: 11q22.3.
Variant type: single nucleotide variant.
Coding change: c.9069C>G on transcript NM_000051.4 (MANE Select); coding-DNA position 9069, C replaced by G.
Protein change: p.Gly3023=; no amino-acid change (glycine 3023 retained).
Molecular consequence: synonymous variant. On other transcripts: intron variant (2).
Genome position (GRCh38, 1-based): chr11:108,365,406, C>G. VCF-style: chr11-108365406-C-G. GRCh37 (hg19) VCF-style: chr11-108236133-C-G.
Other names: c.9069C>G, p.Gly3023= (NM_001351834.2); c.640+20514G>C (NM_001330368.2); c.694+20514G>C (NM_001351110.2).
Identifiers: ClinVar variation 3254044 (VCV003254044.1), dbSNP rs2547684758.